The following is an entry in ClinVar:

ClinVar aggregate classification (germline): Uncertain significance (1 of 4 stars; one submission).

gnomAD v4.1: 1 of 1,614,074 alleles (0.000062%); highest among the groups gnomAD compares: Non-Finnish European, 0.000085%; no homozygotes.

Submission:

Labcorp Genetics (formerly Invitae), Labcorp
Classification: Uncertain significance. Last evaluated: 2025-04-10. Review status: criteria provided, single submitter. Criteria: Invitae Variant Classification Sherloc (09022015). Collection method: clinical testing. Allele origin: germline.
Comment: This sequence change replaces glutamic acid, which is acidic and polar, with valine, which is neutral and non-polar, at codon 498 of the DEAF1 protein (p.Glu498Val). This variant is not present in population databases (gnomAD no frequency). This variant has not been reported in the literature in individuals affected with DEAF1-related conditions. ClinVar contains an entry for this variant (Variation ID: 1960320). Invitae Evidence Modeling of protein sequence and biophysical properties (such as structural, functional, and spatial information, amino acid conservation, physicochemical variation, residue mobility, and thermodynamic stability) has been performed for this missense variant. However, the output from this modeling did not meet the statistical confidence thresholds required to predict the impact of this variant on DEAF1 protein function. In summary, the available evidence is currently insufficient to determine the role of this variant in disease. Therefore, it has been classified as a Variant of Uncertain Significance.

NM_021008.4(DEAF1):c.1493A>T (p.Glu498Val)

Genes: DEAF1 (DEAF1 transcription factor; minus strand), LOC126861109 (BRD4-independent group 4 enhancer GRCh37_chr11:673917-675116; plus strand). Cytogenetic location: 11p15.5.
Variant type: single nucleotide variant.
Coding change: c.1493A>T on transcript NM_021008.4 (MANE Select); coding-DNA position 1493, A replaced by T.
Protein change: p.Glu498Val; replaces glutamic acid 498 with valine.
Molecular consequence: missense variant.
Genome position (GRCh38, 1-based): chr11:674,546, T>A on the plus strand (A>T on the coding strand, the complement: DEAF1 is on the minus strand). VCF-style: chr11-674546-T-A. GRCh37 (hg19) VCF-style: chr11-674546-T-A.
Other names: c.1226A>T, p.Glu409Val (NM_001293634.2); c.767A>T, p.Glu256Val (NM_001367390.1); short protein forms E256V, E498V, E409V.
Identifiers: ClinVar variation 1960320 (VCV001960320.5), dbSNP rs576805766, ClinGen allele CA216900984.